The following is an entry in ClinVar:

ClinVar aggregate classification (germline): Uncertain significance (1 of 4 stars; one submission).

Conditions:
Diamond-Blackfan anemia. Also called: Blackfan Diamond syndrome; Aregenerative anemia chronic congenital; Red cell aplasia, pure hereditary; Congenital hypoplastic anemia; Aase syndrome. Identifiers: Orphanet 124, MedGen C1260899, MeSH D029503, MONDO:0015253, HP:0004810.

Allele frequency attached by ClinVar (database versions not stated): gnomAD exomes below 0.00001.
gnomAD v4.1: 6 of 1,610,344 alleles (0.00037%); highest among the groups gnomAD compares: Non-Finnish European, 0.00042%; no homozygotes.

Submission:

Labcorp Genetics (formerly Invitae), Labcorp
Classification: Uncertain significance for Diamond-Blackfan anemia. Last evaluated: 2025-09-13. Review status: criteria provided, single submitter. Criteria: Invitae Variant Classification Sherloc (09022015). Collection method: clinical testing. Allele origin: germline.
Comment: This sequence change replaces isoleucine, which is neutral and non-polar, with threonine, which is neutral and polar, at codon 60 of the RPL5 protein (p.Ile60Thr). This variant is not present in population databases (gnomAD no frequency). This variant has not been reported in the literature in individuals affected with RPL5-related conditions. ClinVar contains an entry for this variant (Variation ID: 2156930). Invitae Evidence Modeling of protein sequence and biophysical properties (such as structural, functional, and spatial information, amino acid conservation, physicochemical variation, residue mobility, and thermodynamic stability) indicates that this missense variant is expected to disrupt RPL5 protein function with a positive predictive value of 80%. In summary, the available evidence is currently insufficient to determine the role of this variant in disease. Therefore, it has been classified as a Variant of Uncertain Significance.

NM_000969.5(RPL5):c.179T>C (p.Ile60Thr)

Genes: DIPK1A (divergent protein kinase domain 1A; minus strand), RPL5 (ribosomal protein L5; plus strand). Cytogenetic location: 1p22.1.
Variant type: single nucleotide variant.
Coding change: c.179T>C on transcript NM_000969.5 (MANE Select); coding-DNA position 179, T replaced by C.
Protein change: p.Ile60Thr; replaces isoleucine 60 with threonine.
Molecular consequence: missense variant. On other transcripts: non-coding transcript variant (1), intron variant (1).
Genome position (GRCh38, 1-based): chr1:92,833,650, T>C. VCF-style: chr1-92833650-T-C. GRCh37 (hg19) VCF-style: chr1-93299207-T-C.
Other names: c.475-616A>G (NM_001252273.2); short protein forms I60T.
Identifiers: ClinVar variation 2156930 (VCV002156930.3), dbSNP rs2524448592, ClinGen allele CA341241081.